The following is an entry in ClinVar:

ClinVar aggregate classification (germline): Uncertain significance. Review status: criteria provided, multiple submitters, no conflicts (2 of 4 stars). 2 submissions from 2 submitters: Uncertain significance (2). Last evaluated 2025-06-18.

Conditions:
Inborn genetic diseases. Identifiers: MedGen C0950123, MeSH D030342.

gnomAD v4.1: 3 of 1,612,844 alleles (0.00019%); highest among the groups gnomAD compares: Admixed American, 0.0017%; no homozygotes.

Submissions (2):

Ambry Genetics
Classification: Uncertain significance for Inborn genetic diseases. Last evaluated: 2025-06-18. Review status: criteria provided, single submitter. Criteria: Ambry Variant Classification Scheme 2023. Collection method: clinical testing. Allele origin: germline.

Labcorp Genetics (formerly Invitae), Labcorp
Classification: Uncertain significance. Last evaluated: 2022-05-29. Review status: criteria provided, single submitter. Criteria: Invitae Variant Classification Sherloc (09022015). Collection method: clinical testing. Allele origin: germline.
Comment: This sequence change replaces glycine, which is neutral and non-polar, with alanine, which is neutral and non-polar, at codon 6 of the ATF6 protein (p.Gly6Ala). This variant is not present in population databases (gnomAD no frequency). This variant has not been reported in the literature in individuals affected with ATF6-related conditions. Algorithms developed to predict the effect of missense changes on protein structure and function output the following: SIFT: "Tolerated"; PolyPhen-2: "Benign"; Align-GVGD: "Class C0". The alanine amino acid residue is found in multiple mammalian species, which suggests that this missense change does not adversely affect protein function. In summary, the available evidence is currently insufficient to determine the role of this variant in disease. Therefore, it has been classified as a Variant of Uncertain Significance.

NM_007348.4(ATF6):c.17G>C (p.Gly6Ala)

Gene: ATF6 (activating transcription factor 6; plus strand). Cytogenetic location: 1q23.3.
Variant type: single nucleotide variant.
Coding change: c.17G>C on transcript NM_007348.4 (MANE Select); coding-DNA position 17, G replaced by C.
Protein change: p.Gly6Ala; replaces glycine 6 with alanine.
Molecular consequence: missense variant.
Genome position (GRCh38, 1-based): chr1:161,766,377, G>C. VCF-style: chr1-161766377-G-C. GRCh37 (hg19) VCF-style: chr1-161736167-G-C.
Other names: c.17G>C, p.Gly6Ala (NM_001410890.1); c.17G>C (NM_007348.3); short protein forms G6A.
Identifiers: ClinVar variation 2135972 (VCV002135972.5), dbSNP rs200220130, ClinGen allele CA343380811.